The following is an entry in ClinVar:

NM_005956.4(MTHFD1):c.2305C>T (p.Leu769Phe)

Genes: MTHFD1 (methylenetetrahydrofolate dehydrogenase, cyclohydrolase and formyltetrahydrofolate synthetase 1; plus strand), ZBTB25 (zinc finger and BTB domain containing 25; minus strand). Cytogenetic location: 14q23.3.
Variant type: single nucleotide variant.
Coding change: c.2305C>T on transcript NM_005956.4 (MANE Select); coding-DNA position 2305, C replaced by T.
Protein change: p.Leu769Phe; replaces leucine 769 with phenylalanine.
Molecular consequence: missense variant. On other transcripts: 3 prime UTR variant (1).
Genome position (GRCh38, 1-based): chr14:64,449,470, C>T. VCF-style: chr14-64449470-C-T. GRCh37 (hg19) VCF-style: chr14-64916188-C-T.
Other names: c.2305C>T, p.Leu769Phe (NM_001364837.1); c.*81G>A (NM_001304508.1); short protein forms L769F.
Identifiers: ClinVar variation 779686 (VCV000779686.14), dbSNP rs17857382, ClinGen allele CA7226568.

ClinVar aggregate classification (germline): Benign/Likely benign. Review status: criteria provided, multiple submitters, no conflicts (2 of 4 stars). 4 submissions from 4 submitters: Benign (2); Likely benign (2). Last evaluated 2026-02-02.

Allele frequency attached by ClinVar (database versions not stated): ExAC 0.00926; gnomAD 0.03087 and 0.02882; 1000 Genomes Project 0.03215; 1000 Genomes Project 30x 0.03232; ESP Exome Variant Server 0.03383; TOPMed 0.03256.
gnomAD v4.1: 8,875 of 1,613,774 alleles (0.55%); highest among the groups gnomAD compares: African/African-American, 10%; 402 homozygotes.

Submissions (4):

Labcorp Genetics (formerly Invitae), Labcorp
Classification: Benign. Last evaluated: 2026-02-02. Review status: criteria provided, single submitter. Criteria: Invitae Variant Classification Sherloc (09022015). Collection method: clinical testing. Allele origin: germline.

Women's Health and Genetics/Laboratory Corporation of America, LabCorp
Classification: Likely benign. Last evaluated: 2022-02-18. Review status: criteria provided, single submitter. Criteria: LabCorp Variant Classification Summary - May 2015. Collection method: clinical testing. Allele origin: germline.

GeneDx
Classification: Benign. Last evaluated: 2020-10-29. Review status: criteria provided, single submitter. Criteria: GeneDx Variant Classification Process June 2021. Collection method: clinical testing. Allele origin: germline. Affected: yes.
Comment: This variant is associated with the following publications: (PMID: 30924900)

Breakthrough Genomics
Classification: Likely benign. Review status: criteria provided, single submitter. Criteria: ACMG Guidelines, 2015. Collection method: not provided. Allele origin: germline. Inheritance: Autosomal dominant inheritance. Affected: yes.